The following is an entry in ClinVar:

ClinVar aggregate classification (germline): Uncertain significance (1 of 4 stars; one submission).

Submission:

CeGaT Center for Human Genetics Tuebingen
Classification: Uncertain significance. Last evaluated: 2023-08-01. Review status: criteria provided, single submitter. Criteria: CeGaT Center For Human Genetics Tuebingen Variant Classification Criteria Version 2. Collection method: clinical testing. Allele origin: germline. Affected: yes. Observed: 1 variant allele.
Comment: FDFT1: PM2, BP3

NM_004462.5(FDFT1):c.100-86_100-85insCTCCCA

Genes: FDFT1 (farnesyl-diphosphate farnesyltransferase 1), LOC129999907 (ATAC-STARR-seq lymphoblastoid silent region 18943; plus strand). Cytogenetic location: 8p23.1.
Variant type: Insertion.
Coding change: c.100-86_100-85insCTCCCA on transcript NM_004462.5 (MANE Select); 86 bases into the intron before coding-DNA position 100 through 85 bases into the intron before coding-DNA position 100, CTCCCA inserted.
Molecular consequence: intron variant. On other transcripts: inframe insertion (1).
Genome position: GRCh38 VCF-style: chr8-11808704-C-CCCCACT. GRCh37 (hg19) VCF-style: chr8-11666213-C-CCCCACT.
Other names: c.191_192insCTCCCA, p.Pro63_Gln64insHisSer (NM_001287750.2); c.100-86_100-85insCTCCCA (NM_001287742.2, NM_001287743.2); c.-93-86_-93-85insCTCCCA (NM_001287744.2, NM_001287745.2, NM_001287747.2 and 2 more transcripts); c.64+5798_64+5799insCTCCCA (NM_001287756.2).
Identifiers: ClinVar variation 2579043 (VCV002579043.24), dbSNP rs1807245997, ClinGen allele CA1110743686.
Genomic context (GRCh38, chr8:11,808,704, plus strand): 5'-GCCGCCTGGCCCTGCAAGGACTGGCCTCGGGGAGAGGGCGGCAGGCTGTGGAGCCGCCTG[C>CCCCACT]CCCAGTCCCACTCCCACTCCCACTCCCACTCCCACTCCCACTCCTGCTCCTCGACGTCTC-3'